The following is an entry in ClinVar:

ClinVar aggregate classification (germline): Uncertain significance (1 of 4 stars; one submission).

Conditions:
Paroxysmal nonkinesigenic dyskinesia. Also called: Paroxysmal non-kinesigenic dyskinesia. Identifiers: Orphanet 98810, MedGen C1869117, MONDO:0700088.

Submission:

Labcorp Genetics (formerly Invitae), Labcorp
Classification: Uncertain significance for Paroxysmal nonkinesigenic dyskinesia. Last evaluated: 2024-11-09. Review status: criteria provided, single submitter. Criteria: Invitae Variant Classification Sherloc (09022015). Collection method: clinical testing. Allele origin: germline.
Comment: This sequence change replaces glycine, which is neutral and non-polar, with aspartic acid, which is acidic and polar, at codon 290 of the PNKD protein (p.Gly290Asp). This variant is not present in population databases (gnomAD no frequency). This variant has not been reported in the literature in individuals affected with PNKD-related conditions. An algorithm developed to predict the effect of missense changes on protein structure and function (PolyPhen-2) suggests that this variant is likely to be disruptive. In summary, the available evidence is currently insufficient to determine the role of this variant in disease. Therefore, it has been classified as a Variant of Uncertain Significance.

NM_015488.5(PNKD):c.869G>A (p.Gly290Asp)

Genes: PNKD (PNKD metallo-beta-lactamase domain containing; plus strand), CATIP-AS2 (CATIP antisense RNA 2; minus strand). Cytogenetic location: 2q35.
Variant type: single nucleotide variant.
Coding change: c.869G>A on transcript NM_015488.5 (MANE Select); coding-DNA position 869, G replaced by A.
Protein change: p.Gly290Asp; replaces glycine 290 with aspartic acid.
Molecular consequence: missense variant.
Genome position (GRCh38, 1-based): chr2:218,344,455, G>A. VCF-style: chr2-218344455-G-A. GRCh37 (hg19) VCF-style: chr2-219209178-G-A.
Other names: c.797G>A, p.Gly266Asp (NM_022572.5); short protein forms G266D, G290D.
Identifiers: ClinVar variation 3724914 (VCV003724914.2).